The following is an entry in ClinVar:

NM_001195553.2(DCX):c.936C>T (p.Asn312=)

Gene: DCX (doublecortin; minus strand). Cytogenetic location: Xq23.
Variant type: single nucleotide variant.
Coding change: c.936C>T on transcript NM_001195553.2 (MANE Select); coding-DNA position 936, C replaced by T.
Protein change: p.Asn312=; no amino-acid change (asparagine 312 retained).
Molecular consequence: synonymous variant. On other transcripts: intron variant (6).
Genome position (GRCh38, 1-based): chrX:111,330,914, G>A on the plus strand (C>T on the coding strand, the complement: DCX is on the minus strand). VCF-style: chrX-111330914-G-A. GRCh37 (hg19) VCF-style: chrX-110574142-G-A.
Other names: c.936C>T, p.Asn312= (NM_001369370.1, NM_001369371.1, NM_001410715.1 and 1 more transcripts); c.931+5C>T (NM_001369373.1, NM_178153.3, NM_001369372.1 and 2 more transcripts); c.1174+5C>T (NM_000555.3).
Identifiers: ClinVar variation 1766547 (VCV001766547.26), dbSNP rs371447966, ClinGen allele CA10493267.

ClinVar aggregate classification (germline): Benign/Likely benign. Review status: criteria provided, multiple submitters, no conflicts (2 of 4 stars). 3 submissions from 3 submitters: Benign (1); Likely benign (2). Last evaluated 2025-10-13.

Conditions:
Inborn genetic diseases. Identifiers: MedGen C0950123, MeSH D030342.

Allele frequency attached by ClinVar (database versions not stated): ExAC 0.00005; gnomAD exomes 0.00006; TOPMed 0.00008; ESP Exome Variant Server 0.00009; gnomAD 0.00010.
gnomAD v4.1: 74 of 1,210,288 alleles (0.0061%); highest among the groups gnomAD compares: Non-Finnish European, 0.007%; no homozygotes.

Submissions (3):

Labcorp Genetics (formerly Invitae), Labcorp
Classification: Benign. Last evaluated: 2025-10-13. Review status: criteria provided, single submitter. Criteria: Invitae Variant Classification Sherloc (09022015). Collection method: clinical testing. Allele origin: germline.

CeGaT Center for Human Genetics Tuebingen
Classification: Likely benign. Last evaluated: 2025-04-01. Review status: criteria provided, single submitter. Criteria: CeGaT Center For Human Genetics Tuebingen Variant Classification Criteria Version 2. Collection method: clinical testing. Allele origin: germline. Affected: yes. Observed: 3 variant alleles.
Comment: DCX: BP4, BS2

Ambry Genetics
Classification: Likely benign for Inborn genetic diseases. Last evaluated: 2017-09-29. Review status: criteria provided, single submitter. Criteria: Ambry Variant Classification Scheme 2023. Collection method: clinical testing. Allele origin: germline.